The following is an entry in ClinVar:

NM_000093.5(COL5A1):c.3688C>T (p.Gln1230Ter)

Gene: COL5A1 (collagen type V alpha 1 chain; plus strand). Cytogenetic location: 9q34.3.
Variant type: single nucleotide variant.
Coding change: c.3688C>T on transcript NM_000093.5 (MANE Select); coding-DNA position 3688, C replaced by T.
Protein change: p.Gln1230Ter; replaces glutamine 1230 with a stop codon.
Molecular consequence: nonsense.
Genome position (GRCh38, 1-based): chr9:134,811,597, C>T. VCF-style: chr9-134811597-C-T. GRCh37 (hg19) VCF-style: chr9-137703443-C-T.
Other names: c.3688C>T, p.Gln1230Ter (NM_001278074.1); short protein forms Q1230*.
Identifiers: ClinVar variation 3075816 (VCV003075816.1), dbSNP rs2490819831, ClinGen allele CA375454283.

ClinVar aggregate classification (germline): Likely pathogenic (1 of 4 stars; one submission).

Conditions:
Ehlers-Danlos syndrome (EDS). Identifiers: Orphanet 98249, MedGen C0013720, MONDO:0020066.

Submission:

Laboratory for Molecular Medicine, Mass General Brigham Personalized Medicine
Classification: Likely pathogenic for Ehlers-Danlos syndrome. Last evaluated: 2020-08-24. Review status: criteria provided, single submitter. Criteria: ACMG Guidelines, 2015. Collection method: clinical testing. Allele origin: germline.
Comment: The p.Gln1230X variant in COL5A1 has not been identified in individuals with Ehlers-Danlos syndrome and was absent in large population studies. This nonsense variant leads to a premature termination codon at position 1230, which is predicted to lead to a truncated or absent protein. Loss of function of the COL5A1 gene is an established disease mechanism in autosomal dominant Ehlers-Danlos syndrome. In summary, although additional studies are required to fully establish its clinical significance, this variant meets criteria to be classified as likely pathogenic for autosomal dominant Ehlers-Danlos syndrome. ACMG/AMP Criteria applied: PM2; PVS1.